The following is an entry in ClinVar:

NM_006950.3(SYN1):c.541G>T (p.Asp181Tyr)

Gene: SYN1 (synapsin I; minus strand). Cytogenetic location: Xp11.23.
Variant type: single nucleotide variant.
Coding change: c.541G>T on transcript NM_006950.3 (MANE Select); coding-DNA position 541, G replaced by T.
Protein change: p.Asp181Tyr; replaces aspartic acid 181 with tyrosine.
Molecular consequence: missense variant.
Genome position (GRCh38, 1-based): chrX:47,605,366, C>A on the plus strand (G>T on the coding strand, the complement: SYN1 is on the minus strand). VCF-style: chrX-47605366-C-A. GRCh37 (hg19) VCF-style: chrX-47464765-C-A.
Other names: c.541G>T, p.Asp181Tyr (NM_133499.2); short protein forms D181Y.
Identifiers: ClinVar variation 3899121 (VCV003899121.1).
Genomic context (GRCh38, chrX:47,605,366, plus strand): 5'-AACTGCGGTAGTCTCCGTTGCGTGCCATGCTGAAGGCGTGCTGGCGGATCAGCACAAAAT[C>A]CGGCTTCAGAGACCTAGTGTGGCAGGGGTAGGAGTGTTGAGAGTTCCCCCAGAAGCTCCC-3'
Protein context (NP_008881.2, residues 171-191): GVKVVRSLKP[Asp181Tyr]FVLIRQHAFS

ClinVar aggregate classification (germline): Uncertain significance (1 of 4 stars; one submission).

Submission:

GeneDx
Classification: Uncertain significance. Last evaluated: 2024-11-06. Review status: criteria provided, single submitter. Criteria: GeneDx Variant Classification Process June 2021. Collection method: clinical testing. Allele origin: germline. Affected: yes.
Comment: Not observed at significant frequency in large population cohorts (gnomAD); In silico analysis supports that this missense variant has a deleterious effect on protein structure/function; In silico analysis suggests this variant may impact gene splicing. In the absence of RNA/functional studies, the actual effect of this sequence change is unknown.; Has not been previously published as pathogenic or benign to our knowledge